The following is an entry in ClinVar:

NM_001348323.3(TRIP12):c.1041T>C (p.Ser347=)

Gene: TRIP12 (thyroid hormone receptor interactor 12; minus strand). Cytogenetic location: 2q36.3.
Variant type: single nucleotide variant.
Coding change: c.1041T>C on transcript NM_001348323.3 (MANE Select); coding-DNA position 1041, T replaced by C.
Protein change: p.Ser347=; no amino-acid change (serine 347 retained).
Molecular consequence: synonymous variant. On other transcripts: intron variant (1).
Genome position (GRCh38, 1-based): chr2:229,840,914, A>G on the plus strand (T>C on the coding strand, the complement: TRIP12 is on the minus strand). VCF-style: chr2-229840914-A-G. GRCh37 (hg19) VCF-style: chr2-230705630-A-G.
Other names: c.1041T>C, p.Ser347= (NM_001348333.1, NM_001348335.2, NM_001348336.1 and 13 more transcripts); c.954T>C, p.Ser318= (NM_001348334.1, NM_001348332.1); c.915T>C, p.Ser305= (NM_004238.3, NM_001284215.2, NM_001348316.2 and 3 more transcripts); c.99-3930T>C (NM_001284216.2).
Identifiers: ClinVar variation 3067391 (VCV003067391.21), dbSNP rs376991925, ClinGen allele CA2153394.

ClinVar aggregate classification (germline): Likely benign (1 of 4 stars; one submission).

Allele frequency attached by ClinVar (database versions not stated): TOPMed below 0.00001; gnomAD 0.00001; gnomAD exomes 0.00001; ExAC 0.00002; ESP Exome Variant Server 0.00008.
gnomAD v4.1: 16 of 1,602,856 alleles (0.001%); highest among the groups gnomAD compares: Non-Finnish European, 0.0014%; no homozygotes.

Submission:

CeGaT Center for Human Genetics Tuebingen
Classification: Likely benign. Last evaluated: 2025-01-01. Review status: criteria provided, single submitter. Criteria: CeGaT Center For Human Genetics Tuebingen Variant Classification Criteria Version 2. Collection method: clinical testing. Allele origin: germline. Affected: yes. Observed: 2 variant alleles.
Comment: TRIP12: BP4, BP7